The following is an entry in ClinVar:

NM_001267550.2(TTN):c.23444G>A (p.Arg7815Gln)

Gene: TTN (titin; minus strand). Cytogenetic location: 2q31.2.
Variant type: single nucleotide variant.
Coding change: c.23444G>A on transcript NM_001267550.2 (MANE Select); coding-DNA position 23444, G replaced by A.
Protein change: p.Arg7815Gln; replaces arginine 7815 with glutamine.
Molecular consequence: missense variant. On other transcripts: intron variant (3).
Genome position (GRCh38, 1-based): chr2:178,720,198, C>T on the plus strand (G>A on the coding strand, the complement: TTN is on the minus strand). VCF-style: chr2-178720198-C-T. GRCh37 (hg19) VCF-style: chr2-179584925-C-T.
Other names: p.R7498Q:CGG>CAG; c.22493G>A, p.Arg7498Gln (NM_001256850.1); c.19712G>A, p.Arg6571Gln (NM_133378.4); c.13282+17884G>A (NM_003319.4); c.13858+17884G>A (NM_133437.4); c.13657+17884G>A (NM_133432.3); short protein forms R7498Q, R7815Q, R6571Q.
Identifiers: ClinVar variation 203323 (VCV000203323.12), dbSNP rs372804810, ClinGen allele CA312037.

ClinVar aggregate classification (germline): Conflicting classifications of pathogenicity. Review status: criteria provided, conflicting classifications (1 of 4 stars). 4 submissions from 4 submitters: Uncertain significance (3); Likely benign (1). Last evaluated 2025-10-27.

Conditions:
TTN-related disorder. Also called: TTN-related condition; TTN-related disease; TTN-related disorders.

Allele frequency attached by ClinVar (database versions not stated): ExAC 0.00002; gnomAD 0.00004; gnomAD exomes 0.00004; TOPMed 0.00007; ESP Exome Variant Server 0.00008.
gnomAD v4.1: 55 of 1,613,598 alleles (0.0034%); highest among the groups gnomAD compares: Admixed American, 0.017%; no homozygotes.

Submissions (4):

PreventionGenetics, part of Exact Sciences
Classification: Uncertain significance for TTN-related condition. Last evaluated: 2025-10-27. Review status: criteria provided, single submitter. Criteria: ACMG Guidelines, 2015. Collection method: clinical testing. Allele origin: germline.
Comment: The TTN c.23444G>A variant is predicted to result in the amino acid substitution p.Arg7815Gln. This variant has been reported in the compound heterozygous state in an individual with congenital myopathy (Ávila-Polo et al. 2018. PubMed ID: 30365001) and in the heterozygous state in individuals with skeletal myopathy (Savarese et al. 2020. PubMed ID: 32039858). It has also been reported in the heterozygous state in an individual with Brugada syndrome (Martínez-Barrios et al. 2022. PubMed ID: 35207729). This variant is reported in 0.0087% of alleles in individuals of Latino descent in gnomAD. At this time, the clinical significance of this variant is uncertain due to the absence of conclusive functional and genetic evidence.

GeneDx
Classification: Likely benign. Last evaluated: 2021-04-06. Review status: criteria provided, single submitter. Criteria: GeneDx Variant Classification Process June 2021. Collection method: clinical testing. Allele origin: germline. Affected: yes.
Comment: This variant is associated with the following publications: (PMID: 32039858)

Revvity Omics, Revvity
Classification: Uncertain significance. Last evaluated: 2020-09-29. Review status: criteria provided, single submitter. Criteria: ACMG Guidelines, 2015. Collection method: clinical testing. Allele origin: germline.

Eurofins Ntd Llc (ga)
Classification: Uncertain significance. Last evaluated: 2016-05-18. Review status: criteria provided, single submitter. Criteria: EGL Classification Definitions 2015. Collection method: clinical testing. Allele origin: germline. Observed: 2 variant alleles, 2 heterozygotes.